The following is an entry in ClinVar:

NM_020638.3(FGF23):c.*1803C>T

Gene: FGF23 (fibroblast growth factor 23; minus strand). Cytogenetic location: 12p13.32.
Variant type: single nucleotide variant.
Coding change: c.*1803C>T on transcript NM_020638.3 (MANE Select); 1803 bases downstream of the stop codon, C replaced by T.
Molecular consequence: 3 prime UTR variant.
Genome position (GRCh38, 1-based): chr12:4,368,540, G>A on the plus strand (C>T on the coding strand, the complement: FGF23 is on the minus strand). VCF-style: chr12-4368540-G-A. GRCh37 (hg19) VCF-style: chr12-4477706-G-A.
Identifiers: ClinVar variation 308776 (VCV000308776.5), dbSNP rs13312801, ClinGen allele CA10637447.

ClinVar aggregate classification (germline): Conflicting classifications of pathogenicity. Review status: criteria provided, conflicting classifications (1 of 4 stars). 2 submissions from 1 submitter: Uncertain significance (1); Benign (1). Last evaluated 2018-01-12.

Conditions:
Autosomal dominant hypophosphatemic rickets (ADHR). Also called: HYPOPHOSPHATEMIA, AUTOSOMAL DOMINANT; VITAMIN D-RESISTANT RICKETS, AUTOSOMAL DOMINANT. Identifiers: Orphanet 89937, MedGen C0342642, MONDO:0008660, OMIM 193100.
Tumoral calcinosis, hyperphosphatemic, familial, 2. Identifiers: MedGen C4693863, MONDO:0060714, OMIM 617993.

Allele frequency attached by ClinVar (database versions not stated): gnomAD 0.00012 and 0.00026; TOPMed 0.00032; 1000 Genomes Project 0.00120; 1000 Genomes Project 30x 0.00141; gnomAD exomes 0.00462.

Submissions (2):

Illumina Laboratory Services, Illumina
Classification: Benign for Autosomal dominant hypophosphatemic rickets. Last evaluated: 2018-01-12. Review status: criteria provided, single submitter. Criteria: ICSL Variant Classification Criteria 13 December 2019. Collection method: clinical testing. Allele origin: germline.
Comment: This variant was observed in the ICSL laboratory as part of a predisposition screen in an ostensibly healthy population. It had not been previously curated by ICSL or reported in the Human Gene Mutation Database (HGMD: prior to June 1st, 2018), and was therefore a candidate for classification through an automated scoring system. Utilizing variant allele frequency, disease prevalence and penetrance estimates, and inheritance mode, an automated score was calculated to assess if this variant is too frequent to cause the disease. Based on the score and internal cut-off values, a variant classified as benign is not then subjected to further curation. The score for this variant resulted in a classification of benign for this disease.

Illumina Laboratory Services, Illumina
Classification: Uncertain significance for Tumoral calcinosis, hyperphosphatemic, familial, 2. Last evaluated: 2018-01-12. Review status: criteria provided, single submitter. Criteria: ICSL Variant Classification Criteria 13 December 2019. Collection method: clinical testing. Allele origin: germline.